The following is an entry in ClinVar:

NM_002480.3(PPP1R12A):c.508C>T (p.Arg170Ter)

Gene: PPP1R12A (protein phosphatase 1 regulatory subunit 12A; minus strand). Cytogenetic location: 12q21.2.
Variant type: single nucleotide variant.
Coding change: c.508C>T on transcript NM_002480.3 (MANE Select); coding-DNA position 508, C replaced by T.
Protein change: p.Arg170Ter; replaces arginine 170 with a stop codon.
Molecular consequence: nonsense.
Genome position (GRCh38, 1-based): chr12:79,832,471, G>A on the plus strand (C>T on the coding strand, the complement: PPP1R12A is on the minus strand). VCF-style: chr12-79832471-G-A. GRCh37 (hg19) VCF-style: chr12-80226251-G-A.
Other names: c.508C>T, p.Arg170Ter (NM_001143885.2, NM_001244990.2, NM_001244992.1); c.247C>T, p.Arg83Ter (NM_001143886.2); short protein forms R170*, R83*.
Identifiers: ClinVar variation 3062288 (VCV003062288.1), dbSNP rs2547952219, ClinGen allele CA385852785.

ClinVar aggregate classification (germline): Likely pathogenic (1 of 4 stars; one submission).

Conditions:
Genitourinary and/or brain malformation syndrome (GUBS). Also called: PPP1R12A-Related Urogenital and/or Brain Malformation Syndrome. Identifiers: MedGen C5394158, MONDO:0032934, OMIM 618820.

Submission:

Molecular Genetics Department, Kulakov National Medical Research Center for Obstetrics, Gynecology and Perinatology
Classification: Likely pathogenic for Genitourinary and/or brain malformation syndrome. Review status: criteria provided, single submitter. Criteria: ACMG Guidelines, 2015. Collection method: clinical testing. Allele origin: germline. Affected: yes.
Comment: A previously undescribed nucleotide variant creates a premature translation stop signal p.Arg170Ter in the PPP1R12A gene. Loss-of-function variants are reported in patients with Genitourinary and/or/brain malformation syndrome, 618820, [Hughes et al., 2020, PMID: 31883643]. The variant is not present in population database (gnomAD no frequency). In summary, the currently available evidence indicates that the variant is pathogenic, but additional data are needed to prove that conclusively. Therefore, this variant has been classified as likely pathogenic.